The following is an entry in ClinVar:

ClinVar aggregate classification (germline): Likely benign. Review status: criteria provided, single submitter (1 of 4 stars). 2 submissions from 2 submitters: Likely benign (1). 1 of the submissions does not count toward it. Last evaluated 2019-03-06.

Conditions:
TFAP2A-related disorder. Also called: TFAP2A-related condition.

Submissions (2):

GeneDx
Classification: Likely benign. Last evaluated: 2019-03-06. Review status: criteria provided, single submitter. Criteria: GeneDx Variant Classification Process June 2021. Collection method: clinical testing. Allele origin: germline. Affected: yes.
Comment: See Variant Classification Assertion Criteria.

PreventionGenetics, part of Exact Sciences
Classification: Likely benign for TFAP2A-related condition. Last evaluated: 2021-03-31. Review status: no assertion criteria provided. Collection method: clinical testing. Allele origin: germline. Not counted in ClinVar's aggregate classification.
Comment: This variant is classified as likely benign based on ACMG/AMP sequence variant interpretation guidelines (Richards et al. 2015 PMID: 25741868, with internal and published modifications).

NM_001042425.3(TFAP2A):c.33+10del

Gene: TFAP2A (transcription factor AP-2 alpha; minus strand). Cytogenetic location: 6p24.3.
Variant type: Deletion.
Coding change: c.33+10del on transcript NM_001042425.3; 10 bases into the intron after coding-DNA position 33, one base deleted (G; older notation c.33+10delG).
Molecular consequence: intron variant.
Genome position (GRCh38, 1-based): chr6:10,419,408, C deleted on the plus strand (G on the coding strand, the reverse complement: TFAP2A is on the minus strand); the first of 6 consecutive C bases (chr6:10,419,408-10,419,413); deleting any one gives the same sequence. VCF-style (leftmost placement, unchanged base first): chr6-10419407-AC-A. GRCh37 (hg19) VCF-style: chr6-10419640-AC-A.
Identifiers: ClinVar variation 3032632 (VCV003032632.3), dbSNP rs772007223, ClinGen allele CA3631503.